The following is an entry in ClinVar:

NM_004006.3(DMD):c.8391-2A>G

Gene: DMD (dystrophin; minus strand). Cytogenetic location: Xp21.2.
Variant type: single nucleotide variant.
Coding change: c.8391-2A>G on transcript NM_004006.3 (MANE Select); the canonical splice acceptor site of the intron before coding-DNA position 8391, A replaced by G.
Molecular consequence: splice acceptor variant.
Genome position (GRCh38, 1-based): chrX:31,496,946, T>C on the plus strand (A>G on the coding strand, the complement: DMD is on the minus strand). VCF-style: chrX-31496946-T-C. GRCh37 (hg19) VCF-style: chrX-31515063-T-C.
Other names: c.8367-2A>G (NM_000109.4); c.4368-2A>G (NM_004011.4); c.4359-2A>G (NM_004012.4); c.1011-2A>G (NM_004023.3, NM_004020.4, NM_004022.3 and 2 more transcripts); c.204-2A>G (NM_004014.3); c.8379-2A>G (NM_004009.3); c.8022-2A>G (NM_004010.3).
Identifiers: ClinVar variation 439613 (VCV000439613.14), dbSNP rs1556665303, ClinGen allele CA412655700.
Genomic context (GRCh38, chrX:31,496,946, plus strand): 5'-GTTCCTGCAGAGAAAGGTGCAGACGCTTCCACTGGTCAGAACTGGCTTCCAAATGGGACC[T>C]GAAAAAGAACAGCAGCGTACCATGTCAGAATATCTAGAAGTGTAATTGATGATTCTAACA-3'

ClinVar aggregate classification (germline): Pathogenic/Likely pathogenic. Review status: criteria provided, multiple submitters, no conflicts (2 of 4 stars). 2 submissions from 2 submitters: Pathogenic (1); Likely pathogenic (1). Last evaluated 2024-02-24.

Conditions:
Duchenne muscular dystrophy (DMD). Also called: MUSCULAR DYSTROPHY, PSEUDOHYPERTROPHIC PROGRESSIVE, DUCHENNE TYPE; Duchenne Muscular Dystrophy (DMD). Identifiers: Orphanet 98896, MedGen C0013264, MONDO:0010679, OMIM 310200.

Submissions (2):

Labcorp Genetics (formerly Invitae), Labcorp
Classification: Likely pathogenic for Duchenne muscular dystrophy. Last evaluated: 2024-02-24. Review status: criteria provided, single submitter. Criteria: Invitae Variant Classification Sherloc (09022015). Collection method: clinical testing. Allele origin: germline.
Comment: This sequence change affects an acceptor splice site in intron 56 of the DMD gene. It is expected to disrupt RNA splicing. Variants that disrupt the donor or acceptor splice site typically lead to a loss of protein function (PMID: 16199547), and loss-of-function variants in DMD are known to be pathogenic (PMID: 16770791, 25007885). This variant is not present in population databases (gnomAD no frequency). This variant has not been reported in the literature in individuals affected with DMD-related conditions. ClinVar contains an entry for this variant (Variation ID: 439613). Algorithms developed to predict the effect of sequence changes on RNA splicing suggest that this variant may disrupt the consensus splice site. In summary, the currently available evidence indicates that the variant is pathogenic, but additional data are needed to prove that conclusively. Therefore, this variant has been classified as Likely Pathogenic.

ARUP Laboratories, Molecular Genetics and Genomics, ARUP Laboratories
Classification: Pathogenic. Last evaluated: 2016-11-18. Review status: criteria provided, single submitter. Criteria: ARUP Molecular Germline Variant Investigation Process. Collection method: clinical testing. Allele origin: germline.

Literature cited by the submitters: PubMed 16199547 (cited by Labcorp Genetics (formerly Invitae), Labcorp); PubMed 16770791 (cited by Labcorp Genetics (formerly Invitae), Labcorp); PubMed 25007885 (cited by Labcorp Genetics (formerly Invitae), Labcorp).